The following is an entry in ClinVar:

ClinVar aggregate classification (germline): Uncertain significance (1 of 4 stars; one submission).

Conditions:
Inborn genetic diseases. Identifiers: MedGen C0950123, MeSH D030342.

Submission:

Ambry Genetics
Classification: Uncertain significance for Inborn genetic diseases. Last evaluated: 2024-06-14. Review status: criteria provided, single submitter. Criteria: Ambry Variant Classification Scheme 2023. Collection method: clinical testing. Allele origin: germline.
Comment: The p.P1881Q variant (also known as c.5642C>A), located in coding exon 38 of the LRRK2 gene, results from a C to A substitution at nucleotide position 5642. The proline at codon 1881 is replaced by glutamine, an amino acid with similar properties. This amino acid position is conserved. In addition, this alteration is predicted to be tolerated by in silico analysis. Based on the available evidence, the clinical significance of this variant remains unclear.

NM_198578.4(LRRK2):c.5642C>A (p.Pro1881Gln)

Gene: LRRK2 (leucine rich repeat kinase 2; plus strand). Cytogenetic location: 12q12.
Variant type: single nucleotide variant.
Coding change: c.5642C>A on transcript NM_198578.4 (MANE Select); coding-DNA position 5642, C replaced by A.
Protein change: p.Pro1881Gln; replaces proline 1881 with glutamine.
Molecular consequence: missense variant.
Genome position (GRCh38, 1-based): chr12:40,323,292, C>A. VCF-style: chr12-40323292-C-A. GRCh37 (hg19) VCF-style: chr12-40717094-C-A.
Other names: short protein forms P1881Q.
Identifiers: ClinVar variation 3292068 (VCV003292068.1).